The following is an entry in ClinVar:

ClinVar aggregate classification (germline): Benign. Review status: criteria provided, multiple submitters, no conflicts (2 of 4 stars). 11 submissions from 11 submitters: Benign (9). 2 of the submissions do not count toward it. Last evaluated 2026-02-04.

Conditions:
Osteogenesis imperfecta type 10 (OI10). Also called: OI, TYPE X. Identifiers: Orphanet 666, MedGen C3151211, MONDO:0013459, OMIM 613848.

Allele frequency attached by ClinVar (database versions not stated): gnomAD exomes 0.34507; ESP Exome Variant Server 0.34558; TOPMed 0.35387; gnomAD 0.35781 and 0.35935; ExAC 0.36401; 1000 Genomes Project 0.37300; 1000 Genomes Project 30x 0.37445.
gnomAD v4.1: 519,913 of 1,610,876 alleles (32%); highest among the groups gnomAD compares: South Asian, 47%; 86,517 homozygotes.

Submissions (11):

Labcorp Genetics (formerly Invitae), Labcorp
Classification: Benign. Last evaluated: 2026-02-04. Review status: criteria provided, single submitter. Criteria: Invitae Variant Classification Sherloc (09022015). Collection method: clinical testing. Allele origin: germline.

ARUP Laboratories, Molecular Genetics and Genomics, ARUP Laboratories
Classification: Benign. Last evaluated: 2025-07-02. Review status: criteria provided, single submitter. Criteria: ARUP Molecular Germline Variant Investigation Process 2024. Collection method: clinical testing. Allele origin: germline.

Blueprint Genetics
Classification: Benign. Last evaluated: 2024-11-27. Review status: criteria provided, single submitter. Criteria: ACMG Guidelines, 2015. Collection method: clinical testing. Allele origin: germline.

Mayo Clinic Laboratories, Mayo Clinic
Classification: Benign. Last evaluated: 2022-04-26. Review status: criteria provided, single submitter. Criteria: ACMG Guidelines, 2015. Collection method: clinical testing. Allele origin: germline. Observed: 58 variant alleles.

Genome-Nilou Lab
Classification: Benign for Osteogenesis imperfecta type 10. Last evaluated: 2021-07-15. Review status: criteria provided, single submitter. Criteria: ACMG Guidelines, 2015. Collection method: clinical testing. Allele origin: germline. Affected: no.

Illumina Laboratory Services, Illumina
Classification: Benign for Osteogenesis imperfecta type 10. Last evaluated: 2018-01-13. Review status: criteria provided, single submitter. Criteria: ICSL Variant Classification Criteria 13 December 2019. Collection method: clinical testing. Allele origin: germline.
Comment: This variant was observed in the ICSL laboratory as part of a predisposition screen in an ostensibly healthy population. It had not been previously curated by ICSL or reported in the Human Gene Mutation Database (HGMD: prior to June 1st, 2018), and was therefore a candidate for classification through an automated scoring system. Utilizing variant allele frequency, disease prevalence and penetrance estimates, and inheritance mode, an automated score was calculated to assess if this variant is too frequent to cause the disease. Based on the score and internal cut-off values, a variant classified as benign is not then subjected to further curation. The score for this variant resulted in a classification of benign for this disease.

GeneDx
Classification: Benign. Last evaluated: 2017-06-09. Review status: criteria provided, single submitter. Criteria: GeneDx Variant Classification (06012015). Collection method: clinical testing. Allele origin: germline. Affected: yes.
Comment: This variant is considered likely benign or benign based on one or more of the following criteria: it is a conservative change, it occurs at a poorly conserved position in the protein, it is predicted to be benign by multiple in silico algorithms, and/or has population frequency not consistent with disease.

Eurofins Ntd Llc (ga)
Classification: Benign. Last evaluated: 2015-03-25. Review status: criteria provided, single submitter. Criteria: EGL Classification Definitions 2015. Collection method: clinical testing. Allele origin: germline. Observed: 1 variant allele, 1 homozygote.

Breakthrough Genomics
Classification: Benign. Review status: criteria provided, single submitter. Criteria: ACMG Guidelines, 2015. Collection method: not provided. Allele origin: germline. Inheritance: Multifactorial inheritance. Affected: yes.

Diagnostic Laboratory, Department of Genetics, University Medical Center Groningen
Classification: Benign. Review status: no assertion criteria provided. Collection method: clinical testing. Allele origin: germline. Affected: yes. Study: VKGL Data-share Consensus. Not counted in ClinVar's aggregate classification.

Genome Diagnostics Laboratory, Amsterdam University Medical Center
Classification: Benign. Review status: no assertion criteria provided. Collection method: clinical testing. Allele origin: germline. Affected: yes. Study: VKGL Data-share Consensus. Not counted in ClinVar's aggregate classification.

NM_001235.5(SERPINH1):c.363C>G (p.Ser121=)

Gene: SERPINH1 (serpin family H member 1; plus strand). Cytogenetic location: 11q13.5.
Variant type: single nucleotide variant.
Coding change: c.363C>G on transcript NM_001235.5 (MANE Select); coding-DNA position 363, C replaced by G.
Protein change: p.Ser121=; no amino-acid change (serine 121 retained).
Molecular consequence: synonymous variant.
Genome position (GRCh38, 1-based): chr11:75,566,712, C>G. VCF-style: chr11-75566712-C-G. GRCh37 (hg19) VCF-style: chr11-75277757-C-G.
Other names: p.Ser121=; c.363C>G, p.Ser121= (NM_001207014.3); c.363C>G (NM_001235.4).
Identifiers: ClinVar variation 195140 (VCV000195140.39), dbSNP rs650241, ClinGen allele CA201592.
Genomic context (GRCh38, chr11:75,566,712, plus strand): 5'-GCTGCGCGACGAGGAGGTGCACGCCGGCCTGGGCGAGCTGCTGCGCTCACTCAGCAACTC[C>G]ACGGCGCGCAACGTGACCTGGAAGCTGGGCAGCCGACTGTACGGACCCAGCTCAGTGAGC-3'
Protein context (NP_001226.2, residues 111-131): LGELLRSLSN[Ser121=]TARNVTWKLG